The following is an entry in ClinVar:

NM_181552.4(CUX1):c.414G>A (p.Thr138=)

Gene: CUX1 (cut like homeobox 1; plus strand). Cytogenetic location: 7q22.1.
Variant type: single nucleotide variant.
Coding change: c.414G>A on transcript NM_181552.4 (MANE Select); coding-DNA position 414, G replaced by A.
Protein change: p.Thr138=; no amino-acid change (threonine 138 retained).
Molecular consequence: synonymous variant.
Genome position (GRCh38, 1-based): chr7:102,104,343, G>A. VCF-style: chr7-102104343-G-A. GRCh37 (hg19) VCF-style: chr7-101747623-G-A.
Other names: c.447G>A, p.Thr149= (NM_001202543.2, NM_001913.5, NM_181500.4); c.399G>A, p.Thr133= (NM_001202544.3); c.309G>A, p.Thr103= (NM_001202545.3); c.336G>A, p.Thr112= (NM_001202546.3).
Identifiers: ClinVar variation 715004 (VCV000715004.6), dbSNP rs143157780, ClinGen allele CA4410475.
Genomic context (GRCh38, chr7:102,104,343, plus strand): 5'-ATATGGAATTGTATGCTTCTCTTACTGTAGGTTTTTTTTTTTCTTTTCTGCAGAGGTTAC[G>A]ATAAAAGCACTTAAAGAGAAAATCCGAGAATATGAACAGACACTGAAGAACCAAGCCGAA-3'
Protein context (NP_853530.2, residues 128-148): EFAEVKNQEV[Thr138=]IKALKEKIRE

ClinVar aggregate classification (germline): Benign/Likely benign. Review status: criteria provided, multiple submitters, no conflicts (2 of 4 stars). 3 submissions from 3 submitters: Benign (2); Likely benign (1). Last evaluated 2026-10-01.

Allele frequency attached by ClinVar (database versions not stated): gnomAD exomes 0.00034; gnomAD 0.00270; ESP Exome Variant Server 0.00292; TOPMed 0.00337; 1000 Genomes Project 0.00359; 1000 Genomes Project 30x 0.00437.
gnomAD v4.1: 991 of 1,604,400 alleles (0.062%); highest among the groups gnomAD compares: African/African-American, 1.1%; 9 homozygotes.

Submissions (3):

CeGaT Center for Human Genetics Tuebingen
Classification: Likely benign. Last evaluated: 2026-10-01. Review status: criteria provided, single submitter. Criteria: CeGaT Center For Human Genetics Tuebingen Variant Classification Criteria Version 2. Collection method: clinical testing. Allele origin: germline. Affected: yes. Observed: 1 variant allele.
Comment: CUX1: BP4, BP7, BS1

Labcorp Genetics (formerly Invitae), Labcorp
Classification: Benign. Last evaluated: 2019-12-31. Review status: criteria provided, single submitter. Criteria: Invitae Variant Classification Sherloc (09022015). Collection method: clinical testing. Allele origin: germline.

Breakthrough Genomics
Classification: Benign. Review status: criteria provided, single submitter. Criteria: ACMG Guidelines, 2015. Collection method: not provided. Allele origin: germline. Inheritance: Autosomal dominant inheritance. Affected: yes.